The following is an entry in ClinVar:

ClinVar aggregate classification (germline): Uncertain significance (1 of 4 stars; one submission).

Submission:

Labcorp Genetics (formerly Invitae), Labcorp
Classification: Uncertain significance. Last evaluated: 2022-08-21. Review status: criteria provided, single submitter. Criteria: Invitae Variant Classification Sherloc (09022015). Collection method: clinical testing. Allele origin: germline.
Comment: This sequence change replaces methionine, which is neutral and non-polar, with isoleucine, which is neutral and non-polar, at codon 137 of the PDSS2 protein (p.Met137Ile). This variant is present in population databases (no rsID available, gnomAD 0.01%). This variant has not been reported in the literature in individuals affected with PDSS2-related conditions. Algorithms developed to predict the effect of missense changes on protein structure and function (SIFT, PolyPhen-2, Align-GVGD) all suggest that this variant is likely to be tolerated. In summary, the available evidence is currently insufficient to determine the role of this variant in disease. Therefore, it has been classified as a Variant of Uncertain Significance.

NM_020381.4(PDSS2):c.411G>T (p.Met137Ile)

Gene: PDSS2 (decaprenyl diphosphate synthase subunit 2; minus strand). Cytogenetic location: 6q21.
Variant type: single nucleotide variant.
Coding change: c.411G>T on transcript NM_020381.4 (MANE Select); coding-DNA position 411, G replaced by T.
Protein change: p.Met137Ile; replaces methionine 137 with isoleucine.
Molecular consequence: missense variant.
Genome position (GRCh38, 1-based): chr6:107,334,218, C>A on the plus strand (G>T on the coding strand, the complement: PDSS2 is on the minus strand). VCF-style: chr6-107334218-C-A. GRCh37 (hg19) VCF-style: chr6-107655422-C-A.
Other names: short protein forms M137I.
Identifiers: ClinVar variation 1964442 (VCV001964442.5), dbSNP rs1443139035, ClinGen allele CA365323345.